The following is an entry in ClinVar:

NM_001009999.3(KDM1A):c.1589A>T (p.Glu530Val)

Gene: KDM1A (lysine demethylase 1A; plus strand). Cytogenetic location: 1p36.12.
Variant type: single nucleotide variant.
Coding change: c.1589A>T on transcript NM_001009999.3 (MANE Select); coding-DNA position 1589, A replaced by T.
Protein change: p.Glu530Val; replaces glutamic acid 530 with valine.
Molecular consequence: missense variant.
Genome position (GRCh38, 1-based): chr1:23,072,164, A>T. VCF-style: chr1-23072164-A-T. GRCh37 (hg19) VCF-style: chr1-23398657-A-T.
Other names: c.1517A>T, p.Glu506Val (NM_001363654.2, NM_001410763.1, NM_015013.4); c.1577A>T, p.Glu526Val (NM_001410762.1); short protein forms E506V, E526V, E530V.
Identifiers: ClinVar variation 4858710 (VCV004858710.1).

ClinVar aggregate classification (germline): Uncertain significance (1 of 4 stars; one submission).

Conditions:
Inborn genetic diseases. Identifiers: MedGen C0950123, MeSH D030342.

Submission:

Ambry Genetics
Classification: Uncertain significance for Inborn genetic diseases. Last evaluated: 2026-04-12. Review status: criteria provided, single submitter. Criteria: Ambry Variant Classification Scheme 2023. Collection method: clinical testing. Allele origin: germline.
Comment: The p.E530V variant (also known as c.1589A>T), located in coding exon 14 of the KDM1A gene, results from an A to T substitution at nucleotide position 1589. The glutamic acid at codon 530 is replaced by valine, an amino acid with dissimilar properties. This amino acid position is conserved. In addition, the in silico prediction for this alteration is inconclusive. Based on the available evidence, the clinical significance of this variant remains unclear.